The following is an entry in ClinVar:

NM_020320.5(RARS2):c.975-14C>T

Gene: RARS2 (arginyl-tRNA synthetase 2, mitochondrial; minus strand). Cytogenetic location: 6q15.
Variant type: single nucleotide variant.
Coding change: c.975-14C>T on transcript NM_020320.5 (MANE Select); 14 bases into the intron before coding-DNA position 975, C replaced by T.
Molecular consequence: intron variant.
Genome position (GRCh38, 1-based): chr6:87,521,538, G>A on the plus strand (C>T on the coding strand, the complement: RARS2 is on the minus strand). VCF-style: chr6-87521538-G-A. GRCh37 (hg19) VCF-style: chr6-88231256-G-A.
Other names: c.975-14C>T (NM_001350505.2); c.450-14C>T (NM_001350509.2, NM_001318785.2, NM_001350506.2 and 4 more transcripts).
Identifiers: ClinVar variation 138897 (VCV000138897.14), dbSNP rs199941996, ClinGen allele CA293073.

ClinVar aggregate classification (germline): Conflicting classifications of pathogenicity. Review status: criteria provided, conflicting classifications (1 of 4 stars). 3 submissions from 3 submitters: Uncertain significance (1); Benign (1); Likely benign (1). Last evaluated 2026-01-26.

Conditions:
Pontocerebellar hypoplasia type 6 (PCH6). Identifiers: Orphanet 166073, MedGen C1969084, MONDO:0012683, OMIM 611523.

Allele frequency attached by ClinVar (database versions not stated): 1000 Genomes Project 30x 0.00031; gnomAD exomes 0.00033 and 0.00057; ExAC 0.00034; 1000 Genomes Project 0.00040; gnomAD 0.00044 and 0.00045; ESP Exome Variant Server 0.00054; TOPMed 0.00059.
gnomAD v4.1: 904 of 1,608,398 alleles (0.056%); highest among the groups gnomAD compares: Non-Finnish European, 0.071%; no homozygotes.

Submissions (3):

Labcorp Genetics (formerly Invitae), Labcorp
Classification: Likely benign. Last evaluated: 2026-01-26. Review status: criteria provided, single submitter. Criteria: Invitae Variant Classification Sherloc (09022015). Collection method: clinical testing. Allele origin: germline.

Illumina Laboratory Services, Illumina
Classification: Uncertain significance for Pontocerebellar hypoplasia type 6. Last evaluated: 2018-01-13. Review status: criteria provided, single submitter. Criteria: ICSL Variant Classification Criteria 13 December 2019. Collection method: clinical testing. Allele origin: germline.

GeneDx
Classification: Benign. Last evaluated: 2013-05-24. Review status: criteria provided, single submitter. Criteria: GeneDx Variant Classification (06012015). Collection method: clinical testing. Allele origin: germline. Affected: yes.
Comment: This variant is considered likely benign or benign based on one or more of the following criteria: it is a conservative change, it occurs at a poorly conserved position in the protein, it is predicted to be benign by multiple in silico algorithms, and/or has population frequency not consistent with disease.